The following is an entry in ClinVar:

ClinVar aggregate classification (germline): Uncertain significance. Review status: criteria provided, multiple submitters, no conflicts (2 of 4 stars). 2 submissions from 2 submitters: Uncertain significance (2). Last evaluated 2025-04-20.

Allele frequency attached by ClinVar (database versions not stated): gnomAD exomes 0.00001.
gnomAD v4.1: 13 of 1,612,332 alleles (0.00081%); highest among the groups gnomAD compares: South Asian, 0.0044%; no homozygotes.

Submissions (2):

Labcorp Genetics (formerly Invitae), Labcorp
Classification: Uncertain significance. Last evaluated: 2025-04-20. Review status: criteria provided, single submitter. Criteria: Invitae Variant Classification Sherloc (09022015). Collection method: clinical testing. Allele origin: germline.
Comment: This sequence change replaces proline, which is neutral and non-polar, with serine, which is neutral and polar, at codon 865 of the COL2A1 protein (p.Pro865Ser). This variant is not present in population databases (gnomAD no frequency). This variant has not been reported in the literature in individuals affected with COL2A1-related conditions. ClinVar contains an entry for this variant (Variation ID: 2440290). Invitae Evidence Modeling of protein sequence and biophysical properties (such as structural, functional, and spatial information, amino acid conservation, physicochemical variation, residue mobility, and thermodynamic stability) has been performed for this missense variant. However, the output from this modeling did not meet the statistical confidence thresholds required to predict the impact of this variant on COL2A1 protein function. In summary, the available evidence is currently insufficient to determine the role of this variant in disease. Therefore, it has been classified as a Variant of Uncertain Significance.

Revvity Omics, Revvity
Classification: Uncertain significance. Last evaluated: 2019-09-05. Review status: criteria provided, single submitter. Criteria: ACMG Guidelines, 2015. Collection method: clinical testing. Allele origin: germline.

NM_001844.5(COL2A1):c.2593C>T (p.Pro865Ser)

Gene: COL2A1 (collagen type II alpha 1 chain; minus strand). Cytogenetic location: 12q13.11.
Variant type: single nucleotide variant.
Coding change: c.2593C>T on transcript NM_001844.5 (MANE Select); coding-DNA position 2593, C replaced by T.
Protein change: p.Pro865Ser; replaces proline 865 with serine.
Molecular consequence: missense variant.
Genome position (GRCh38, 1-based): chr12:47,980,586, G>A on the plus strand (C>T on the coding strand, the complement: COL2A1 is on the minus strand). VCF-style: chr12-47980586-G-A. GRCh37 (hg19) VCF-style: chr12-48374369-G-A.
Other names: c.2386C>T, p.Pro796Ser (NM_033150.3); short protein forms P796S, P865S.
Identifiers: ClinVar variation 2440290 (VCV002440290.4), dbSNP rs2540122226, ClinGen allele CA384544399.